The following is an entry in ClinVar:

NM_000051.4(ATM):c.5432G>C (p.Cys1811Ser)

Gene: ATM (ATM serine/threonine kinase; plus strand). Cytogenetic location: 11q22.3.
Variant type: single nucleotide variant.
Coding change: c.5432G>C on transcript NM_000051.4 (MANE Select); coding-DNA position 5432, G replaced by C.
Protein change: p.Cys1811Ser; replaces cysteine 1811 with serine.
Molecular consequence: missense variant.
Genome position (GRCh38, 1-based): chr11:108,302,965, G>C. VCF-style: chr11-108302965-G-C. GRCh37 (hg19) VCF-style: chr11-108173692-G-C.
Other names: c.5432G>C, p.Cys1811Ser (NM_001351834.2); short protein forms C1811S.
Identifiers: ClinVar variation 424994 (VCV000424994.52), dbSNP rs149569091, ClinGen allele CA16621628.

ClinVar aggregate classification (germline): Uncertain significance. Review status: criteria provided, multiple submitters, no conflicts (2 of 4 stars). 5 submissions from 5 submitters: Uncertain significance (4). 1 of the submissions does not count toward it. Last evaluated 2025-10-02.

Conditions:
ATM-related disorder. Also called: ATM-related disorders; ATM-related condition.
Hereditary cancer-predisposing syndrome. Also called: Tumor predisposition; Hereditary neoplastic syndrome; Hereditary Cancer Syndrome; Neoplastic Syndromes, Hereditary. Identifiers: Orphanet 140162, MedGen C0027672, MeSH D009386, MONDO:0015356.
Ataxia-telangiectasia syndrome (AT). Also called: LOUIS-BAR SYNDROME; Ataxia-telangiectasia, complementation group E; Ataxia telangiectasia (A-T); Cerebello-oculocutaneous telangiectasia; Immunodeficiency with ataxia telangiectasia; Ataxia-telangiectasia, complementation group D. Identifiers: Orphanet 100, MedGen C0004135, MONDO:0008840, OMIM 208900.
Familial cancer of breast. Also called: hereditary breast carcinoma; BREAST CANCER, FAMILIAL; Hereditary breast cancer. Identifiers: Orphanet 227535, MedGen C0346153, MONDO:0016419, OMIM 114480. Disease mechanism: loss of function.

Submissions (5):

Labcorp Genetics (formerly Invitae), Labcorp
Classification: Uncertain significance for Ataxia-telangiectasia syndrome. Last evaluated: 2025-10-02. Review status: criteria provided, single submitter. Criteria: Invitae Variant Classification Sherloc (09022015). Collection method: clinical testing. Allele origin: germline.
Comment: This sequence change replaces cysteine, which is neutral and slightly polar, with serine, which is neutral and polar, at codon 1811 of the ATM protein (p.Cys1811Ser). This variant is not present in population databases (gnomAD no frequency). This variant has not been reported in the literature in individuals affected with ATM-related conditions. ClinVar contains an entry for this variant (Variation ID: 424994). Invitae Evidence Modeling of protein sequence and biophysical properties (such as structural, functional, and spatial information, amino acid conservation, physicochemical variation, residue mobility, and thermodynamic stability) indicates that this missense variant is not expected to disrupt ATM protein function with a negative predictive value of 95%. In summary, the available evidence is currently insufficient to determine the role of this variant in disease. Therefore, it has been classified as a Variant of Uncertain Significance.

Ambry Genetics
Classification: Uncertain significance for Hereditary cancer-predisposing syndrome. Last evaluated: 2025-06-26. Review status: criteria provided, single submitter. Criteria: Ambry Variant Classification Scheme 2023. Collection method: clinical testing. Allele origin: germline.
Comment: The p.C1811S variant (also known as c.5432G>C), located in coding exon 35 of the ATM gene, results from a G to C substitution at nucleotide position 5432. The cysteine at codon 1811 is replaced by serine, an amino acid with dissimilar properties. This amino acid position is conserved. In addition, this alteration is predicted to be tolerated by in silico analysis. Since supporting evidence is limited at this time, the clinical significance of this alteration remains unclear.

Baylor Genetics
Classification: Uncertain significance for Familial cancer of breast. Last evaluated: 2023-12-07. Review status: criteria provided, single submitter. Criteria: ACMG Guidelines, 2015. Collection method: clinical testing. Allele origin: unknown.

CeGaT Center for Human Genetics Tuebingen
Classification: Uncertain significance. Last evaluated: 2016-09-01. Review status: criteria provided, single submitter. Criteria: CeGaT Center For Human Genetics Tuebingen Variant Classification Criteria Version 2. Collection method: clinical testing. Allele origin: germline. Affected: yes. Observed: 1 variant allele.

PreventionGenetics, part of Exact Sciences
Classification: Uncertain significance for ATM-related condition. Last evaluated: 2024-02-28. Review status: no assertion criteria provided. Collection method: clinical testing. Allele origin: germline. Not counted in ClinVar's aggregate classification.
Comment: The ATM c.5432G>C variant is predicted to result in the amino acid substitution p.Cys1811Ser. To our knowledge, this variant has not been reported in the literature or in gnomAD, indicating this variant is rare. At this time, the clinical significance of this variant is uncertain due to the absence of conclusive functional and genetic evidence.